The following is an entry in ClinVar:

NM_006231.4(POLE):c.1021G>T (p.Ala341Ser)

Gene: POLE (DNA polymerase epsilon, catalytic subunit; minus strand). Cytogenetic location: 12q24.33.
Variant type: single nucleotide variant.
Coding change: c.1021G>T on transcript NM_006231.4 (MANE Select); coding-DNA position 1021, G replaced by T.
Protein change: p.Ala341Ser; replaces alanine 341 with serine.
Molecular consequence: missense variant.
Genome position (GRCh38, 1-based): chr12:132,675,820, C>A on the plus strand (G>T on the coding strand, the complement: POLE is on the minus strand). VCF-style: chr12-132675820-C-A. GRCh37 (hg19) VCF-style: chr12-133252406-C-A.
Other names: short protein forms A341S.
Identifiers: ClinVar variation 240372 (VCV000240372.32), dbSNP rs137860861, ClinGen allele CA6894102.

ClinVar aggregate classification (germline): Conflicting classifications of pathogenicity. Review status: criteria provided, conflicting classifications (1 of 4 stars). 9 submissions from 9 submitters: Uncertain significance (3); Likely benign (5). 1 of the submissions does not count toward it. Last evaluated 2026-02-11.

Conditions:
POLE-related disorder. Also called: POLE-related disorders; POLE-related condition.
Hereditary cancer-predisposing syndrome. Also called: Neoplastic Syndromes, Hereditary; Hereditary neoplastic syndrome; Hereditary Cancer Syndrome; Tumor predisposition. Identifiers: Orphanet 140162, MedGen C0027672, MeSH D009386, MONDO:0015356.
Colorectal cancer, susceptibility to, 12 (CRCS12). Also called: COLORECTAL CANCER, SUSCEPTIBILITY TO, ON CHROMOSOME 12q24. Identifiers: Orphanet 220460, MedGen C3554460, MONDO:0014038, OMIM 615083.

Allele frequency attached by ClinVar (database versions not stated): gnomAD exomes 0.00006; ExAC 0.00012; gnomAD 0.00022 and 0.00024; TOPMed 0.00024; ESP Exome Variant Server 0.00031.
gnomAD v4.1: 77 of 1,612,600 alleles (0.0048%); highest among the groups gnomAD compares: African/African-American, 0.083%; no homozygotes.

Submissions (10):

St. Jude Molecular Pathology, St. Jude Children's Research Hospital
Classification: Uncertain significance for Colorectal cancer, susceptibility to, 12. Last evaluated: 2026-02-11. Review status: criteria provided, single submitter. Criteria: St. Jude Assertion Criteria 2020. Collection method: clinical testing. Allele origin: germline.
Comment: The POLE c.1021G>T p.(Ala341Ser) missense change has a maximum subpopulation frequency of 0.096% in gnomAD v2.1.1. Algorithms that predict the impact of sequence changes on splicing indicate that this change may impact splicing, but to our knowledge these predictions have not been confirmed by RNA studies. The in silico tool REVEL predicts a benign effect on protein function, but to our knowledge this prediction has not been confirmed by functional studies. To our knowledge, this variant has not been reported in the literature in individuals with POLE-related disease. In summary, the evidence currently available is insufficient to determine the clinical significance of this variant. It has therefore been classified as of uncertain significance.

Labcorp Genetics (formerly Invitae), Labcorp
Classification: Likely benign. Last evaluated: 2026-01-25. Review status: criteria provided, single submitter. Criteria: Invitae Variant Classification Sherloc (09022015). Collection method: clinical testing. Allele origin: germline.

PreventionGenetics, part of Exact Sciences
Classification: Likely benign for POLE-related condition. Last evaluated: 2025-09-23. Review status: criteria provided, single submitter. Criteria: ACMG Guidelines, 2015. Collection method: clinical testing. Allele origin: germline.
Comment: This variant is classified as likely benign based on ACMG/AMP sequence variant interpretation guidelines (Richards et al. 2015 PMID: 25741868, with internal and published modifications).

Quest Diagnostics Nichols Institute San Juan Capistrano
Classification: Likely benign. Last evaluated: 2025-04-28. Review status: criteria provided, single submitter. Criteria: Quest Diagnostics criteria. Collection method: clinical testing. Allele origin: unknown.

GeneDx
Classification: Uncertain significance. Last evaluated: 2024-12-05. Review status: criteria provided, single submitter. Criteria: GeneDx Variant Classification Process June 2021. Collection method: clinical testing. Allele origin: germline. Affected: yes.
Comment: In silico analysis indicates that this missense variant does not alter protein structure/function; In silico analysis suggests this variant may impact gene splicing. In the absence of RNA/functional studies, the actual effect of this sequence change is unknown.; Has not been previously published as pathogenic or benign to our knowledge; This variant is associated with the following publications: (PMID: 20951805, 26251183)

Mendelics
Classification: Likely benign for Colorectal cancer, susceptibility to, 12. Last evaluated: 2024-04-09. Review status: criteria provided, single submitter. Criteria: ACMG Guidelines, 2015. Collection method: clinical testing. Allele origin: unknown.

Blueprint Genetics
Classification: Uncertain significance. Last evaluated: 2022-07-17. Review status: criteria provided, single submitter. Criteria: ACMG Guidelines, 2015. Collection method: clinical testing. Allele origin: germline.

Ambry Genetics
Classification: Likely benign for Hereditary cancer-predisposing syndrome. Last evaluated: 2020-08-06. Review status: criteria provided, single submitter. Criteria: Ambry Variant Classification Scheme 2023. Collection method: clinical testing. Allele origin: germline.

True Health Diagnostics
Classification: Uncertain significance for Hereditary cancer-predisposing syndrome. Last evaluated: 2017-10-10. Review status: no assertion criteria provided. Collection method: clinical testing. Allele origin: germline. Not counted in ClinVar's aggregate classification.

Dr. Peter K. Rogan Lab, Western University
No classification provided (evidence only). Condition: Cervical cancer. Review status: no classification provided. Collection method: in vitro. Allele origin: not applicable. Functional consequence: retained intron. Not counted in ClinVar's aggregate classification.

Literature cited by the submitters: PubMed 26251183 (cited by Quest Diagnostics Nichols Institute San Juan Capistrano).